The following is an entry in ClinVar:

NM_001111125.3(IQSEC2):c.403C>G (p.Arg135Gly)

Gene: IQSEC2 (IQ motif and Sec7 domain ArfGEF 2; minus strand). Cytogenetic location: Xp11.22.
Variant type: single nucleotide variant.
Coding change: c.403C>G on transcript NM_001111125.3 (MANE Select); coding-DNA position 403, C replaced by G.
Protein change: p.Arg135Gly; replaces arginine 135 with glycine.
Molecular consequence: missense variant.
Genome position (GRCh38, 1-based): chrX:53,320,721, G>C on the plus strand (C>G on the coding strand, the complement: IQSEC2 is on the minus strand). VCF-style: chrX-53320721-G-C. GRCh37 (hg19) VCF-style: chrX-53349919-G-C.
Other names: c.403C>G, p.Arg135Gly (NM_001410736.1, NM_001441092.1); short protein forms R135G.
Identifiers: ClinVar variation 4801031 (VCV004801031.1).

ClinVar aggregate classification (germline): Uncertain significance (1 of 4 stars; one submission).

Conditions:
Intellectual developmental disorder, X-linked 1. Also called: Atkin Flaitz Patil Smith syndrome; MENTAL RETARDATION, X-LINKED 18; MENTAL RETARDATION, X-LINKED 78; Intellectual disability, X-linked 1. Identifiers: Orphanet 777, MedGen C2931498, MONDO:0010656, OMIM 309530.

Submission:

Labcorp Genetics (formerly Invitae), Labcorp
Classification: Uncertain significance for Intellectual developmental disorder, X-linked 1. Last evaluated: 2025-12-30. Review status: criteria provided, single submitter. Criteria: Invitae Variant Classification Sherloc (09022015). Collection method: clinical testing. Allele origin: germline.
Comment: This sequence change replaces arginine, which is basic and polar, with glycine, which is neutral and non-polar, at codon 135 of the IQSEC2 protein (p.Arg135Gly). This variant is not present in population databases (gnomAD no frequency). This variant has not been reported in the literature in individuals affected with IQSEC2-related conditions. Invitae Evidence Modeling of protein sequence and biophysical properties (such as structural, functional, and spatial information, amino acid conservation, physicochemical variation, residue mobility, and thermodynamic stability) indicates that this missense variant is not expected to disrupt IQSEC2 protein function with a negative predictive value of 95%. In summary, the available evidence is currently insufficient to determine the role of this variant in disease. Therefore, it has been classified as a Variant of Uncertain Significance.